The following is an entry in ClinVar:

NM_000135.4(FANCA):c.2949T>G (p.Ile983Met)

Gene: FANCA (FA complementation group A; minus strand). Cytogenetic location: 16q24.3.
Variant type: single nucleotide variant.
Coding change: c.2949T>G on transcript NM_000135.4 (MANE Select); coding-DNA position 2949, T replaced by G.
Protein change: p.Ile983Met; replaces isoleucine 983 with methionine.
Molecular consequence: missense variant.
Genome position (GRCh38, 1-based): chr16:89,758,609, A>C on the plus strand (T>G on the coding strand, the complement: FANCA is on the minus strand). VCF-style: chr16-89758609-A-C. GRCh37 (hg19) VCF-style: chr16-89825017-A-C.
Other names: c.2949T>G (NM_000135.3, LRG_495t1); c.2949T>G, p.Ile983Met (NM_001286167.3); short protein forms I983M.
Identifiers: ClinVar variation 639631 (VCV000639631.20), dbSNP rs188695241, ClinGen allele CA8251426.

ClinVar aggregate classification (germline): Conflicting classifications of pathogenicity. Review status: criteria provided, conflicting classifications (1 of 4 stars). 8 submissions from 8 submitters: Uncertain significance (6); Benign (1). 1 of the submissions does not count toward it. Last evaluated 2025-08-01.

Conditions:
FANCA-related disorder. Also called: FANCA-related condition.
Fanconi anemia (FA). Also called: Fanconi's anemia. Identifiers: Orphanet 84, MedGen C0015625, MeSH D005199, MONDO:0019391.
Fanconi anemia complementation group A (FANCA). Also called: Fanconi anemia, group A; FANCA-Related Fanconi Anemia. Identifiers: Orphanet 84, MedGen C3469521, MONDO:0009215, OMIM 227650.

Allele frequency attached by ClinVar (database versions not stated): gnomAD exomes 0.00002 and 0.00004; ExAC 0.00004; gnomAD 0.00014; TOPMed 0.00015; 1000 Genomes Project 30x 0.00016; 1000 Genomes Project 0.00020; ESP Exome Variant Server 0.00023.
gnomAD v4.1: 57 of 1,614,006 alleles (0.0035%); highest among the groups gnomAD compares: African/African-American, 0.057%; no homozygotes.

Submissions (8):

Quest Diagnostics Nichols Institute San Juan Capistrano
Classification: Uncertain significance. Last evaluated: 2025-08-01. Review status: criteria provided, single submitter. Criteria: Quest Diagnostics criteria. Collection method: clinical testing. Allele origin: unknown.
Comment: The FANCA c.2949T>G (p.Ile983Met) variant has been reported in the published literature in individuals affected with prostate cancer (PMID: 36898365 (2023)), ovarian cancer (PMID: 32546565 (2021)), and soft tissue sarcoma (PMID: 30541756 (2019)). The frequency of this variant in the general population (Genome Aggregation Database) is uninformative in the assessment of its pathogenicity. Analysis of this variant using bioinformatics tools for the prediction of the effect of amino acid changes on protein structure and function yielded predictions that this variant is benign. Based on the available information, we are unable to determine the clinical significance of this variant.

PreventionGenetics, part of Exact Sciences
Classification: Uncertain significance for FANCA-related condition. Last evaluated: 2025-07-24. Review status: criteria provided, single submitter. Criteria: ACMG Guidelines, 2015. Collection method: clinical testing. Allele origin: germline.
Comment: The FANCA c.2949T>G variant is predicted to result in the amino acid substitution p.Ile983Met. This variant has been reported in individuals with ovarian cancer and soft tissue sarcoma (Table S3, Seligson et al. 2018. PubMed ID: 30541756; Table S6, Song et al. 2020. PubMed ID: 32546565). This variant is reported in 0.048% of alleles in individuals of African descent in gnomAD and has conflicting interpretations ranging from benign to uncertain in ClinVar. Although we suspect that this variant may be benign, at this time, the clinical significance of this variant is uncertain due to the absence of conclusive functional and genetic evidence.

Labcorp Genetics (formerly Invitae), Labcorp
Classification: Benign for Fanconi anemia. Last evaluated: 2025-06-09. Review status: criteria provided, single submitter. Criteria: Invitae Variant Classification Sherloc (09022015). Collection method: clinical testing. Allele origin: germline.

Fulgent Genetics
Classification: Uncertain significance for Fanconi anemia complementation group A. Last evaluated: 2024-06-14. Review status: criteria provided, single submitter. Criteria: ACMG Guidelines, 2015. Collection method: clinical testing. Allele origin: germline.

St. Jude Molecular Pathology, St. Jude Children's Research Hospital
Classification: Uncertain significance for Fanconi anemia complementation group A. Last evaluated: 2022-08-15. Review status: criteria provided, single submitter. Criteria: St. Jude Assertion Criteria 2020. Collection method: clinical testing. Allele origin: germline.
Comment: The FANCA c.2949T>G (p.Ile983Met) missense change has a maximum subpopulation frequency of 0.048% in gnomAD v2.1.1. The in silico tool REVEL predicts a benign effect on protein function, but to our knowledge this prediction has not been confirmed by functional studies. This variant has been reported in individuals with ovarian cancer and soft tissue sarcoma (PMID: 30541756, 32546565). To our knowledge, this variant has not been reported in individuals with Fanconi anemia. In summary, the evidence currently available is insufficient to determine the clinical significance of this variant. It has therefore been classified as of uncertain significance.

Genetic Services Laboratory, University of Chicago
Classification: Uncertain significance. Last evaluated: 2019-10-08. Review status: criteria provided, single submitter. Criteria: ACMG Guidelines, 2015. Collection method: clinical testing. Allele origin: germline. Affected: no.

Revvity Omics, Revvity
Classification: Uncertain significance for Fanconi anemia complementation group A. Last evaluated: 2019-09-11. Review status: criteria provided, single submitter. Criteria: ACMG Guidelines, 2015. Collection method: clinical testing. Allele origin: germline.

Natera, Inc.
Classification: Uncertain significance for Fanconi anemia, group A. Last evaluated: 2020-09-16. Review status: no assertion criteria provided. Collection method: clinical testing. Allele origin: germline. Not counted in ClinVar's aggregate classification.

Literature cited by the submitters: PubMed 30541756 (cited by Quest Diagnostics Nichols Institute San Juan Capistrano); PubMed 32546565 (cited by Quest Diagnostics Nichols Institute San Juan Capistrano); PubMed 36898365 (cited by Quest Diagnostics Nichols Institute San Juan Capistrano).